The following is an entry in ClinVar:

ClinVar aggregate classification (germline): Uncertain significance (1 of 4 stars; one submission).

Allele frequency attached by ClinVar (database versions not stated): gnomAD exomes below 0.00001; gnomAD 0.00001; TOPMed 0.00002.
gnomAD v4.1: 4 of 1,187,630 alleles (0.00034%); highest among the groups gnomAD compares: South Asian, 0.0018%; no homozygotes.

Submission:

Labcorp Genetics (formerly Invitae), Labcorp
Classification: Uncertain significance. Last evaluated: 2022-08-28. Review status: criteria provided, single submitter. Criteria: Invitae Variant Classification Sherloc (09022015). Collection method: clinical testing. Allele origin: germline.
Comment: In summary, the available evidence is currently insufficient to determine the role of this variant in disease. Therefore, it has been classified as a Variant of Uncertain Significance. Algorithms developed to predict the effect of missense changes on protein structure and function output the following: SIFT: "Tolerated"; PolyPhen-2: "Benign"; Align-GVGD: "Class C0". The serine amino acid residue is found in multiple mammalian species, which suggests that this missense change does not adversely affect protein function. This variant has not been reported in the literature in individuals affected with POLA1-related conditions. The frequency data for this variant in the population databases is considered unreliable, as metrics indicate poor data quality at this position in the gnomAD database. This sequence change replaces asparagine, which is neutral and polar, with serine, which is neutral and polar, at codon 117 of the POLA1 protein (p.Asn117Ser).

NM_001330360.2(POLA1):c.368A>G (p.Asn123Ser)

Gene: POLA1 (DNA polymerase alpha 1, catalytic subunit; plus strand). Cytogenetic location: Xp22.11.
Variant type: single nucleotide variant.
Coding change: c.368A>G on transcript NM_001330360.2 (MANE Select); coding-DNA position 368, A replaced by G.
Protein change: p.Asn123Ser; replaces asparagine 123 with serine.
Molecular consequence: missense variant. On other transcripts: non-coding transcript variant (2).
Genome position (GRCh38, 1-based): chrX:24,714,575, A>G. VCF-style: chrX-24714575-A-G. GRCh37 (hg19) VCF-style: chrX-24732692-A-G.
Other names: c.368A>G, p.Asn123Ser (NM_001378303.1); c.350A>G, p.Asn117Ser (NM_016937.4); short protein forms N123S, N117S.
Identifiers: ClinVar variation 1983432 (VCV001983432.4), dbSNP rs991049806, ClinGen allele CA326893517.
Genomic context (GRCh38, chrX:24,714,575, plus strand): 5'-TTGCTGATGCATGTTTCTAAATAATTCATATTCCAATAGGAAAAGATGGTAAAGCACGCA[A>G]TAAAGACAAGAGGAATGTAAAGAAGCTCGCAGTGACAAAACCGAACAACATTAAGTCAAT-3'
Protein context (NP_001317289.1, residues 113-133): DEKGKDGKAR[Asn123Ser]KDKRNVKKLA